The following is an entry in ClinVar:

ClinVar aggregate classification (germline): Uncertain significance (1 of 4 stars; one submission).

Conditions:
Glycosylphosphatidylinositol biosynthesis defect 15. Also called: DEVELOPMENTAL DELAY, EPILEPSY, CEREBELLAR ATROPHY, AND OSTEOPENIA. Identifiers: Orphanet 529665, MedGen C4540520, MONDO:0060627, OMIM 617810.

Allele frequency attached by ClinVar (database versions not stated): TOPMed below 0.00001; gnomAD 0.00001; gnomAD exomes 0.00001; ExAC 0.00002.

Submission:

Neuberg Centre For Genomic Medicine, NCGM
Classification: Uncertain significance for Glycosylphosphatidylinositol biosynthesis defect 15. Review status: criteria provided, single submitter. Criteria: ACMG Guidelines, 2015. Collection method: clinical testing. Allele origin: germline. Inheritance: Autosomal recessive inheritance. Affected: yes.
Comment: The missense variant in c.578A>G in GPAA1 gene has not been reported previously as a pathogenic variant nor as a benign variant, to our knowledge. The p.Glu193Gly variant is novel (not in any individuals) in 1000 Genomes and has allele frequency of 0.002% in gnomAD database. The amino acid Glu at position 193 is changed to a Gly changing protein sequence and it might alter its composition and physico-chemical properties. The variant is predicted to be damaging by both SIFT and PolyPhen2. The amino acid change p.Glu193Gly in GPAA1 is predicted as conserved by GERP++ and PhyloP across 100 vertebrates. For these reasons, this variant has been classified as Variant of Uncertain Significance (VUS).

NM_003801.4(GPAA1):c.578A>G (p.Glu193Gly)

Gene: GPAA1 (glycosylphosphatidylinositol anchor attachment 1; plus strand). Cytogenetic location: 8q24.3.
Variant type: single nucleotide variant.
Coding change: c.578A>G on transcript NM_003801.4 (MANE Select); coding-DNA position 578, A replaced by G.
Protein change: p.Glu193Gly; replaces glutamic acid 193 with glycine.
Molecular consequence: missense variant.
Genome position (GRCh38, 1-based): chr8:144,084,002, A>G. VCF-style: chr8-144084002-A-G. GRCh37 (hg19) VCF-style: chr8-145138905-A-G.
Other names: short protein forms E193G.
Identifiers: ClinVar variation 2585414 (VCV002585414.1), dbSNP rs781818907, ClinGen allele CA4932862.